The following is an entry in ClinVar:

NM_173495.3(PTCHD1):c.1082_1083dup (p.Glu362fs)

Gene: PTCHD1 (patched domain containing 1; plus strand). Cytogenetic location: Xp22.11.
Variant type: Duplication.
Coding change: c.1082_1083dup on transcript NM_173495.3 (MANE Select); coding-DNA positions 1082 to 1083, 2 bases duplicated (AA; older notation c.1082_1083dupAA).
Protein change: p.Glu362fs; shifts the reading frame from glutamic acid 362.
Molecular consequence: frameshift variant.
Genome position (GRCh38, 1-based): chrX:23,392,600-23,392,601, AA duplicated; duplicating any 2 consecutive bases within chrX:23,392,599-23,392,601 gives the same sequence; the c. name uses the placement nearest the transcript's 3' end. VCF-style (leftmost placement, unchanged base first): chrX-23392598-T-TAA. GRCh37 (hg19) VCF-style: chrX-23410715-T-TAA.
Other names: c.1082_1083dupAA (NM_173495.2); short protein forms E362fs.
Identifiers: ClinVar variation 3254644 (VCV003254644.2), dbSNP rs2518766477.
Genomic context (GRCh38, chrX:23,392,598, plus strand): 5'-ATTATATGGGACTTTTGAAATGTTATCCTCCTGGAGGAAAACTAGAGAAGACCAACATGT[T>TAA]AAAGAGAGAACTGCAGCAGTCTATGCAGACTCCATGCTCTCCTTTTCTCTCACCACTGCC-3'

ClinVar aggregate classification (germline): Pathogenic (1 of 4 stars; one submission).

Conditions:
Autism, susceptibility to, X-linked 4 (AUTSX4). Identifiers: MedGen C0795888, MONDO:0010440, OMIM 300830.

Submission:

Victorian Clinical Genetics Services, Murdoch Childrens Research Institute
Classification: Pathogenic for Autism, susceptibility to, X-linked 4. Last evaluated: 2023-07-17. Review status: criteria provided, single submitter. Criteria: ACMG Guidelines, 2015. Collection method: clinical testing. Allele origin: germline. Inheritance: Autosomal dominant inheritance. Affected: yes.
Comment: Based on the classification scheme VCGS_Germline_v1.3.4, this variant is classified as Pathogenic. Following criteria are met: 0102 - Loss of function is a known mechanism of disease in this gene and is associated with intellectual disability (MIM#300830). (I) 0109 - This gene is associated with X-linked recessive disease. (I) 0115 - Variants in this gene are known to have variable expressivity (PMID: 25131214). (I) 0204 - Variant is predicted to result in a truncated protein (premature termination codon is NOT located at least 54 nucleotides upstream of the final exon-exon junction) with at least 1/3 of the protein sequence affected. (SP) 0253 - This variant is hemizygous. (I) 0301 - Variant is absent from gnomAD (both v2 and v3). (SP) 0600 - Variant truncates part of the annotated patched domain (DECIPHER). (I) 0701 - Other truncating variants comparable to the one identified in this case have very strong previous evidence for pathogenicity (ClinVar, DECIPHER). (SP) 0807 - This variant has no previous evidence of pathogenicity. (I) 0905 - No published segregation evidence has been identified for this variant. (I) 1007 - No published functional evidence has been identified for this variant. (I) Legend: (SP) - Supporting pathogenic, (I) - Information, (SB) - Supporting benign

Literature cited by the submitters: PubMed 25131214.